The following is an entry in ClinVar:

ClinVar aggregate classification (germline): Uncertain significance (1 of 4 stars; one submission).

Conditions:
Glycogen storage disease, type II (IOPD). Also called: ACID ALPHA-GLUCOSIDASE DEFICIENCY, INFANTILE-ONSET; GAA DEFICIENCY, INFANTILE-ONSET; ACID MALTASE DEFICIENCY, INFANTILE-ONSET; POMPE DISEASE, INFANTILE-ONSET; GLYCOGEN STORAGE DISEASE II, INFANTILE-ONSET; CARDIOMEGALIA GLYCOGENICA DIFFUSA. Identifiers: Orphanet 365, MedGen C0017921, MONDO:0009290, OMIM 232300.

Allele frequency attached by ClinVar (database versions not stated): gnomAD 0.00002.
gnomAD v4.1: 3 of 1,613,698 alleles (0.00019%); highest among the groups gnomAD compares: East Asian, 0.0022%; no homozygotes.

Submission:

Labcorp Genetics (formerly Invitae), Labcorp
Classification: Uncertain significance for Glycogen storage disease, type II. Last evaluated: 2022-03-19. Review status: criteria provided, single submitter. Criteria: Invitae Variant Classification Sherloc (09022015). Collection method: clinical testing. Allele origin: germline.
Comment: In summary, the available evidence is currently insufficient to determine the role of this variant in disease. Therefore, it has been classified as a Variant of Uncertain Significance. Advanced modeling of protein sequence and biophysical properties (such as structural, functional, and spatial information, amino acid conservation, physicochemical variation, residue mobility, and thermodynamic stability) performed at Invitae indicates that this missense variant is expected to disrupt GAA protein function. This sequence change replaces threonine, which is neutral and polar, with isoleucine, which is neutral and non-polar, at codon 737 of the GAA protein (p.Thr737Ile). This variant is not present in population databases (gnomAD no frequency). This variant has not been reported in the literature in individuals affected with GAA-related conditions.

NM_000152.5(GAA):c.2210C>T (p.Thr737Ile)

Gene: GAA (alpha glucosidase; plus strand). Cytogenetic location: 17q25.3.
Variant type: single nucleotide variant.
Coding change: c.2210C>T on transcript NM_000152.5 (MANE Select); coding-DNA position 2210, C replaced by T.
Protein change: p.Thr737Ile; replaces threonine 737 with isoleucine.
Molecular consequence: missense variant.
Genome position (GRCh38, 1-based): chr17:80,116,988, C>T. VCF-style: chr17-80116988-C-T. GRCh37 (hg19) VCF-style: chr17-78090787-C-T.
Other names: c.2210C>T, p.Thr737Ile (NM_001079803.3, NM_001079804.3, NM_001406741.1 and 1 more transcripts); short protein forms T737I.
Identifiers: ClinVar variation 2167768 (VCV002167768.4), dbSNP rs1381005435, ClinGen allele CA401324719.